The following is an entry in ClinVar:

ClinVar aggregate classification (germline): Pathogenic (1 of 4 stars; one submission).

Conditions:
Neurodevelopmental disorder with or without hyperkinetic movements and seizures, autosomal dominant. Also called: Intellectual disability, autosomal dominant 8. Identifiers: MedGen C3280282, MONDO:0013655, OMIM 614254.

Submission:

Labcorp Genetics (formerly Invitae), Labcorp
Classification: Pathogenic for Neurodevelopmental disorder with or without hyperkinetic movements and seizures, autosomal dominant. Last evaluated: 2023-08-10. Review status: criteria provided, single submitter. Criteria: Invitae Variant Classification Sherloc (09022015). Collection method: clinical testing. Allele origin: germline.
Comment: This variant is not present in population databases (gnomAD no frequency). For these reasons, this variant has been classified as Pathogenic. ClinVar contains an entry for this variant (Variation ID: 2119508). This variant has not been reported in the literature in individuals affected with GRIN1-related conditions. This sequence change creates a premature translational stop signal (p.Gln40*) in the GRIN1 gene. It is expected to result in an absent or disrupted protein product. Loss-of-function variants in GRIN1 are known to be pathogenic (PMID: 27164704, 35393335).

Literature cited by the submitters: PubMed 27164704; PubMed 35393335.

NM_007327.4(GRIN1):c.118C>T (p.Gln40Ter)

Gene: GRIN1 (glutamate ionotropic receptor NMDA type subunit 1; plus strand). Cytogenetic location: 9q34.3.
Variant type: single nucleotide variant.
Coding change: c.118C>T on transcript NM_007327.4 (MANE Select); coding-DNA position 118, C replaced by T.
Protein change: p.Gln40Ter; replaces glutamine 40 with a stop codon.
Molecular consequence: nonsense.
Genome position (GRCh38, 1-based): chr9:137,139,604, C>T. VCF-style: chr9-137139604-C-T. GRCh37 (hg19) VCF-style: chr9-140034056-C-T.
Other names: c.118C>T, p.Gln40Ter (NM_000832.7, NM_001185090.2, NM_001185091.2 and 1 more transcripts); short protein forms Q40*.
Identifiers: ClinVar variation 2119508 (VCV002119508.4), dbSNP rs2538507902, ClinGen allele CA375713175.